The following is an entry in ClinVar:

ClinVar aggregate classification (germline): Conflicting classifications of pathogenicity. Review status: criteria provided, conflicting classifications (1 of 4 stars). 2 submissions from 2 submitters: Uncertain significance (1); Benign (1). Last evaluated 2024-04-11.

Allele frequency attached by ClinVar (database versions not stated): gnomAD exomes 0.00006; ExAC 0.00018; gnomAD 0.00085 and 0.00087; TOPMed 0.00089; 1000 Genomes Project 30x 0.00219; 1000 Genomes Project 0.00220.

Submissions (2):

Women's Health and Genetics/Laboratory Corporation of America, LabCorp
Classification: Benign. Last evaluated: 2024-04-11. Review status: criteria provided, single submitter. Criteria: LabCorp Variant Classification Summary - May 2015. Collection method: clinical testing. Allele origin: germline.
Comment: Variant summary: ST3GAL5 c.-15C>T is located in the untranslated mRNA region upstream of the initiation codon. The variant allele was found at a frequency of 0.00015 in 1342446 control chromosomes, predominantly at a frequency of 0.0026 within the African or African-American subpopulation in the gnomAD database, including 2 homozygotes (gnomAD v4.0.0). The observed variant frequency within African or African-American control individuals in the gnomAD database and presence of 2 homozygotes strongly suggesting that the variant is a benign polymorphism found primarily in populations of African or African-American origin. To our knowledge, no occurrence of c.-15C>T in individuals affected with GM3 synthase deficiency and no experimental evidence demonstrating its impact on protein function have been reported. ClinVar contains an entry for this variant (Variation ID: 594804). Based on the evidence outlined above, the variant was classified as benign.

Eurofins Ntd Llc (ga)
Classification: Uncertain significance. Last evaluated: 2017-10-30. Review status: criteria provided, single submitter. Criteria: EGL Classification Definitions 2015. Collection method: clinical testing. Allele origin: germline. Observed: 1 variant allele, 1 heterozygote.

NM_003896.4(ST3GAL5):c.-15C>T

Genes: ST3GAL5 (ST3 beta-galactoside alpha-2,3-sialyltransferase 5; minus strand), LOC129934236 (ATAC-STARR-seq lymphoblastoid silent region 11709; plus strand). Cytogenetic location: 2p11.2.
Variant type: single nucleotide variant.
Coding change: c.-15C>T on transcript NM_003896.4 (MANE Select); 15 bases upstream of the start codon, C replaced by T.
Molecular consequence: 5 prime UTR variant.
Genome position (GRCh38, 1-based): chr2:85,888,920, G>A on the plus strand (C>T on the coding strand, the complement: ST3GAL5 is on the minus strand). VCF-style: chr2-85888920-G-A. GRCh37 (hg19) VCF-style: chr2-86116043-G-A.
Other names: c.-977C>T (NM_001354223.2); c.-639C>T (NM_001354224.2); c.-576C>T (NM_001354226.2); c.-286C>T (NM_001354227.2); c.-230C>T (NM_001354229.2); c.-1016C>T (NM_001354233.2); c.-15C>T (NM_001363847.1).
Identifiers: ClinVar variation 594804 (VCV000594804.6), dbSNP rs527286367, ClinGen allele CA1745243.